The following is an entry in ClinVar:

NM_013436.5(NCKAP1):c.2936T>C (p.Leu979Pro)

Gene: NCKAP1 (NCK associated protein 1; minus strand). Cytogenetic location: 2q32.1.
Variant type: single nucleotide variant.
Coding change: c.2936T>C on transcript NM_013436.5 (MANE Select); coding-DNA position 2936, T replaced by C.
Protein change: p.Leu979Pro; replaces leucine 979 with proline.
Molecular consequence: missense variant.
Genome position (GRCh38, 1-based): chr2:182,930,712, A>G on the plus strand (T>C on the coding strand, the complement: NCKAP1 is on the minus strand). VCF-style: chr2-182930712-A-G. GRCh37 (hg19) VCF-style: chr2-183795440-A-G.
Other names: c.2930T>C, p.Leu977Pro (NM_001437266.1); c.2948T>C, p.Leu983Pro (NM_001437267.1); c.2954T>C, p.Leu985Pro (NM_205842.3); short protein forms L977P, L979P, L983P, L985P.
Identifiers: ClinVar variation 4881880 (VCV004881880.2).

ClinVar aggregate classification (germline): Uncertain significance (1 of 4 stars; one submission).

Submission:

Dasa
Classification: Uncertain significance. Last evaluated: 2026-04-03. Review status: criteria provided, single submitter. Criteria: DASA Assertion Criteria. Collection method: clinical testing. Allele origin: germline.
Comment: NM_013436.5(NCKAP1):c.2936T>C (p.Leu979Pro) is a missense variant that results in the substitution of leucine with proline. This variant is absent from population databases. Computational prediction algorithms are consistent with a deleterious effect. The currently available literature and clinical evidence are not sufficient to establish a definitive association between this variant and the reported condition. Therefore, this variant is classified as a variant of uncertain significance.